The following is an entry in ClinVar:

ClinVar aggregate classification (germline): Uncertain significance (1 of 4 stars; one submission).

Submission:

CeGaT Center for Human Genetics Tuebingen
Classification: Uncertain significance. Last evaluated: 2026-02-01. Review status: criteria provided, single submitter. Criteria: CeGaT Center For Human Genetics Tuebingen Variant Classification Criteria Version 2. Collection method: clinical testing. Allele origin: germline. Affected: yes. Observed: 1 variant allele.
Comment: TTN: PM2, PVS1:Moderate

NM_001267550.2(TTN):c.107651_107657del (p.Thr35884fs)

Genes: TTN (titin; minus strand), TTN-AS1 (TTN antisense RNA 1; plus strand). Cytogenetic location: 2q31.2.
Variant type: Deletion.
Coding change: c.107651_107657del on transcript NM_001267550.2 (MANE Select); coding-DNA positions 107651 to 107657, 7 bases deleted (CTAGTAA; older notation c.107651_107657delCTAGTAA).
Protein change: p.Thr35884fs; shifts the reading frame from threonine 35884.
Molecular consequence: frameshift variant.
Genome position (GRCh38, 1-based): chr2:178,527,469-178,527,475, TTACTAG deleted on the plus strand (CTAGTAA on the coding strand, the reverse complement: TTN is on the minus strand); deleting any 7 consecutive bases within chr2:178,527,469-178,527,477 gives the same sequence; the c. name uses the placement nearest the transcript's 3' end. VCF-style (leftmost placement, unchanged base first): chr2-178527468-TTTACTAG-T. GRCh37 (hg19) VCF-style: chr2-179392195-TTTACTAG-T.
Other names: c.102728_102734del, p.Thr34243fs (NM_001256850.1); c.80456_80462del, p.Thr26819fs (NM_003319.4); c.99947_99953del, p.Thr33316fs (NM_133378.4); c.80831_80837del, p.Thr26944fs (NM_133432.3); c.81032_81038del, p.Thr27011fs (NM_133437.4); short protein forms T26819fs, T26944fs, T27011fs, T33316fs, T34243fs, T35884fs.
Identifiers: ClinVar variation 4823253 (VCV004823253.4).